The following is an entry in ClinVar:

NM_006204.4(PDE6C):c.873C>T (p.Tyr291=)

Gene: PDE6C (phosphodiesterase 6C; plus strand). Cytogenetic location: 10q23.33.
Variant type: single nucleotide variant.
Coding change: c.873C>T on transcript NM_006204.4 (MANE Select); coding-DNA position 873, C replaced by T.
Protein change: p.Tyr291=; no amino-acid change (tyrosine 291 retained).
Molecular consequence: synonymous variant.
Genome position (GRCh38, 1-based): chr10:93,625,583, C>T. VCF-style: chr10-93625583-C-T. GRCh37 (hg19) VCF-style: chr10-95385340-C-T.
Identifiers: ClinVar variation 879011 (VCV000879011.14), dbSNP rs138970846, ClinGen allele CA5609973.
Genomic context (GRCh38, chr10:93,625,583, plus strand): 5'-GGTAGGTCATGGAACAGTGTGTTTAATGATACTTAAATCTGATTGCCTCCAGGAATTCTA[C>T]GATGAATGGCCAATCAAGCTTGGAGAAGTAGAGCCTTATAAAGGTCCAAAGACACCTGAT-3'
Protein context (NP_006195.3, residues 281-301): LLDMTKEKEF[Tyr291=]DEWPIKLGEV

ClinVar aggregate classification (germline): Conflicting classifications of pathogenicity. Review status: criteria provided, conflicting classifications (1 of 4 stars). 5 submissions from 4 submitters: Uncertain significance (2); Likely benign (3). Last evaluated 2026-01-17.

Conditions:
Achromatopsia. Also called: Rod monochromatism. Identifiers: Orphanet 49382, MedGen C0152200, MONDO:0018852, HP:0011516.
Cone dystrophy 4 (COD4). Identifiers: Orphanet 49382, MedGen C2751308, MONDO:0013129, OMIM 613093.
PDE6C-related disorder. Also called: PDE6C-related condition.

Allele frequency attached by ClinVar (database versions not stated): gnomAD exomes 0.00003 and 0.00006; gnomAD 0.00005 and 0.00006; TOPMed 0.00005; ExAC 0.00007; 1000 Genomes Project 30x 0.00016; 1000 Genomes Project 0.00020.
gnomAD v4.1: 59 of 1,611,500 alleles (0.0037%); highest among the groups gnomAD compares: South Asian, 0.014%; no homozygotes.

Submissions (5):

Labcorp Genetics (formerly Invitae), Labcorp
Classification: Likely benign. Last evaluated: 2026-01-17. Review status: criteria provided, single submitter. Criteria: Invitae Variant Classification Sherloc (09022015). Collection method: clinical testing. Allele origin: germline.

PreventionGenetics, part of Exact Sciences
Classification: Likely benign for PDE6C-related condition. Last evaluated: 2025-09-09. Review status: criteria provided, single submitter. Criteria: ACMG Guidelines, 2015. Collection method: clinical testing. Allele origin: germline.
Comment: This variant is classified as likely benign based on ACMG/AMP sequence variant interpretation guidelines (Richards et al. 2015 PMID: 25741868, with internal and published modifications).

Blueprint Genetics
Classification: Likely benign. Last evaluated: 2024-10-04. Review status: criteria provided, single submitter. Criteria: ACMG Guidelines, 2015. Collection method: clinical testing. Allele origin: germline.

Illumina Laboratory Services, Illumina
Classification: Uncertain significance for Cone dystrophy 4. Last evaluated: 2018-01-13. Review status: criteria provided, single submitter. Criteria: ICSL Variant Classification Criteria 13 December 2019. Collection method: clinical testing. Allele origin: germline.

Illumina Laboratory Services, Illumina
Classification: Uncertain significance for Achromatopsia. Last evaluated: 2018-01-13. Review status: criteria provided, single submitter. Criteria: ICSL Variant Classification Criteria 13 December 2019. Collection method: clinical testing. Allele origin: germline.